The following is an entry in ClinVar:

ClinVar aggregate classification (germline): Uncertain significance (1 of 4 stars; one submission).

Conditions:
Hereditary pancreatitis (PCTT). Also called: PRSS1-Related Hereditary Pancreatitis; Hereditary chronic pancreatitis. Identifiers: Orphanet 676, MedGen C0238339, MONDO:0008185, OMIM 167800.

gnomAD v4.1: 4 of 1,614,202 alleles (0.00025%); highest among the groups gnomAD compares: Non-Finnish European, 0.00034%; no homozygotes.

Submission:

Ambry Genetics
Classification: Uncertain significance for Hereditary pancreatitis. Last evaluated: 2025-03-04. Review status: criteria provided, single submitter. Criteria: Ambry Variant Classification Scheme 2023. Collection method: clinical testing. Allele origin: germline.
Comment: The p.G250R variant (also known as c.748G>C), located in coding exon 7 of the CPA1 gene, results from a G to C substitution at nucleotide position 748. The glycine at codon 250 is replaced by arginine, an amino acid with dissimilar properties. This amino acid position is conserved. In addition, this alteration is predicted to be deleterious by in silico analysis. Based on the available evidence, the clinical significance of this variant remains unclear.

NM_001868.4(CPA1):c.748G>C (p.Gly250Arg)

Gene: CPA1 (carboxypeptidase A1; plus strand). Cytogenetic location: 7q32.2.
Variant type: single nucleotide variant.
Coding change: c.748G>C on transcript NM_001868.4 (MANE Select); coding-DNA position 748, G replaced by C.
Protein change: p.Gly250Arg; replaces glycine 250 with arginine.
Molecular consequence: missense variant.
Genome position (GRCh38, 1-based): chr7:130,384,587, G>C. VCF-style: chr7-130384587-G-C. GRCh37 (hg19) VCF-style: chr7-130024428-G-C.
Other names: short protein forms G250R.
Identifiers: ClinVar variation 3835765 (VCV003835765.1).